The following is an entry in ClinVar:

ClinVar aggregate classification (germline): Benign. Review status: criteria provided, multiple submitters, no conflicts (2 of 4 stars). 7 submissions from 6 submitters: Benign (7). Last evaluated 2026-02-04.

Conditions:
Ectopia lentis et pupillae. Also called: ECTOPIA LENTIS WITH ECTOPIA OF PUPIL. Identifiers: Orphanet 1885, MedGen C1644196, MONDO:0009153, OMIM 225200.
Ectopia lentis 2, isolated, autosomal recessive (ECTOL2). Identifiers: Orphanet 1885, MedGen C3541474, MONDO:0009152, OMIM 225100.

Allele frequency attached by ClinVar (database versions not stated): ESP Exome Variant Server 0.00139; gnomAD 0.00923 and 0.01118; gnomAD exomes 0.01014 and 0.03144; TOPMed 0.01890; ExAC 0.02651; 1000 Genomes Project 0.03235; 1000 Genomes Project 30x 0.03373.
gnomAD v4.1: 16,345 of 1,611,512 alleles (1%); highest among the groups gnomAD compares: Admixed American, 13%; 1,002 homozygotes.

Submissions (7):

Labcorp Genetics (formerly Invitae), Labcorp
Classification: Benign. Last evaluated: 2026-02-04. Review status: criteria provided, single submitter. Criteria: Invitae Variant Classification Sherloc (09022015). Collection method: clinical testing. Allele origin: germline.

Blueprint Genetics
Classification: Benign. Last evaluated: 2024-11-26. Review status: criteria provided, single submitter. Criteria: ACMG Guidelines, 2015. Collection method: clinical testing. Allele origin: germline.

Genome-Nilou Lab
Classification: Benign for Ectopia lentis et pupillae. Last evaluated: 2023-04-11. Review status: criteria provided, single submitter. Criteria: ACMG Guidelines, 2015. Collection method: clinical testing. Allele origin: germline. Affected: no.

Genome-Nilou Lab
Classification: Benign for Ectopia lentis 2, isolated, autosomal recessive. Last evaluated: 2023-04-11. Review status: criteria provided, single submitter. Criteria: ACMG Guidelines, 2015. Collection method: clinical testing. Allele origin: germline. Affected: no.

GeneDx
Classification: Benign. Last evaluated: 2018-07-21. Review status: criteria provided, single submitter. Criteria: GeneDx Variant Classification Process June 2021. Collection method: clinical testing. Allele origin: germline. Affected: yes.
Comment: This variant is associated with the following publications: (PMID: 20564469)

Illumina Laboratory Services, Illumina
Classification: Benign for Ectopia lentis 2, isolated, autosomal recessive. Last evaluated: 2018-03-06. Review status: criteria provided, single submitter. Criteria: ICSL Variant Classification Criteria 13 December 2019. Collection method: clinical testing. Allele origin: germline.
Comment: This variant was observed in the ICSL laboratory as part of a predisposition screen in an ostensibly healthy population. It had not been previously curated by ICSL or reported in the Human Gene Mutation Database (HGMD: prior to June 1st, 2018), and was therefore a candidate for classification through an automated scoring system. Utilizing variant allele frequency, disease prevalence and penetrance estimates, and inheritance mode, an automated score was calculated to assess if this variant is too frequent to cause the disease. Based on the score and internal cut-off values, a variant classified as benign is not then subjected to further curation. The score for this variant resulted in a classification of benign for this disease.

Breakthrough Genomics
Classification: Benign. Review status: criteria provided, single submitter. Criteria: ACMG Guidelines, 2015. Collection method: not provided. Allele origin: germline. Inheritance: Autosomal recessive inheritance. Affected: yes.

NM_019032.6(ADAMTSL4):c.926G>A (p.Arg309Gln)

Genes: ADAMTSL4 (ADAMTS like 4; plus strand), ADAMTSL4-AS2 (ADAMTSL4 antisense RNA 2; minus strand). Cytogenetic location: 1q21.2.
Variant type: single nucleotide variant.
Coding change: c.926G>A on transcript NM_019032.6 (MANE Select); coding-DNA position 926, G replaced by A.
Protein change: p.Arg309Gln; replaces arginine 309 with glutamine.
Molecular consequence: missense variant.
Genome position (GRCh38, 1-based): chr1:150,553,917, G>A. VCF-style: chr1-150553917-G-A. GRCh37 (hg19) VCF-style: chr1-150526393-G-A.
Other names: c.926G>A, p.Arg309Gln (NM_001288607.2, NM_001288608.2, NM_001378596.1 and 1 more transcripts); short protein forms R309Q.
Identifiers: ClinVar variation 292524 (VCV000292524.18), dbSNP rs76075180, ClinGen allele CA1078071.